The following is an entry in ClinVar:

ClinVar aggregate classification (germline): Likely benign. Review status: criteria provided, multiple submitters, no conflicts (2 of 4 stars). 5 submissions from 5 submitters: Likely benign (5). Last evaluated 2024-04-30.

Conditions:
Hereditary cancer-predisposing syndrome. Also called: Neoplastic Syndromes, Hereditary; Hereditary Cancer Syndrome; Hereditary neoplastic syndrome; Tumor predisposition. Identifiers: Orphanet 140162, MedGen C0027672, MeSH D009386, MONDO:0015356.
Hereditary breast ovarian cancer syndrome. Also called: Hereditary breast and ovarian cancer syndrome (HBOC); Hereditary breast and ovarian cancer syndrome; Breast and ovarian cancer; Hereditary breast and/or ovarian cancer syndrome; Hereditary breast and ovarian cancer; BRCA1- and BRCA2-Associated Hereditary Breast and Ovarian Cancer. Identifiers: Orphanet 145, MedGen C0677776, MeSH D061325, MONDO:0003582. Disease mechanism: loss of function.

Allele frequency attached by ClinVar (database versions not stated): gnomAD exomes below 0.00001.

Submissions (5):

Labcorp Genetics (formerly Invitae), Labcorp
Classification: Likely benign for Hereditary breast ovarian cancer syndrome. Last evaluated: 2024-04-30. Review status: criteria provided, single submitter. Criteria: Invitae Variant Classification Sherloc (09022015). Collection method: clinical testing. Allele origin: germline.

Color Diagnostics, LLC DBA Color Health
Classification: Likely benign for Hereditary cancer-predisposing syndrome. Last evaluated: 2020-01-06. Review status: criteria provided, single submitter. Criteria: ACMG Guidelines, 2015. Collection method: clinical testing. Allele origin: germline.

Quest Diagnostics Nichols Institute San Juan Capistrano
Classification: Likely benign. Last evaluated: 2019-11-11. Review status: criteria provided, single submitter. Criteria: Quest Diagnostics criteria. Collection method: clinical testing. Allele origin: unknown.

Ambry Genetics
Classification: Likely benign for Hereditary cancer-predisposing syndrome. Last evaluated: 2019-01-23. Review status: criteria provided, single submitter. Criteria: Ambry Variant Classification Scheme 2023. Collection method: clinical testing. Allele origin: germline.

GeneDx
Classification: Likely benign. Last evaluated: 2017-03-10. Review status: criteria provided, single submitter. Criteria: GeneDx Variant Classification (06012015). Collection method: clinical testing. Allele origin: germline. Affected: yes.
Comment: This variant is considered likely benign or benign based on one or more of the following criteria: it is a conservative change, it occurs at a poorly conserved position in the protein, it is predicted to be benign by multiple in silico algorithms, and/or has population frequency not consistent with disease.

NM_000059.4(BRCA2):c.2913A>G (p.Leu971=)

Gene: BRCA2 (BRCA2 DNA repair associated; plus strand). Cytogenetic location: 13q13.1.
Variant type: single nucleotide variant.
Coding change: c.2913A>G on transcript NM_000059.4 (MANE Select); coding-DNA position 2913, A replaced by G.
Protein change: p.Leu971=; no amino-acid change (leucine 971 retained).
Molecular consequence: synonymous variant.
Genome position (GRCh38, 1-based): chr13:32,337,268, A>G. VCF-style: chr13-32337268-A-G. GRCh37 (hg19) VCF-style: chr13-32911405-A-G.
Identifiers: ClinVar variation 462282 (VCV000462282.16), dbSNP rs1555282938, ClinGen allele CA483437197.
Genomic context (GRCh38, chr13:32,337,268, plus strand): 5'-TGCAGAGGAGAACAAAAATAGTGTAAAGCAGCATATAAAAATGACTCTAGGTCAAGATTT[A>G]AAATCGGACATCTCCTTGAATATAGATAAAATACCAGAAAAAAATAATGATTACATGAAC-3'
Protein context (NP_000050.3, residues 961-981): QHIKMTLGQD[Leu971=]KSDISLNIDK